The following is an entry in ClinVar:

NM_198525.3(KIF7):c.2971C>A (p.Gln991Lys)

Gene: KIF7 (kinesin family member 7; minus strand). Cytogenetic location: 15q26.1.
Variant type: single nucleotide variant.
Coding change: c.2971C>A on transcript NM_198525.3 (MANE Select); coding-DNA position 2971, C replaced by A.
Protein change: p.Gln991Lys; replaces glutamine 991 with lysine.
Molecular consequence: missense variant.
Genome position (GRCh38, 1-based): chr15:89,631,635, G>T on the plus strand (C>A on the coding strand, the complement: KIF7 is on the minus strand). VCF-style: chr15-89631635-G-T. GRCh37 (hg19) VCF-style: chr15-90174866-G-T.
Other names: short protein forms Q991K.
Identifiers: ClinVar variation 1403108 (VCV001403108.8), dbSNP rs1467513774, ClinGen allele CA393757297.
Genomic context (GRCh38, chr15:89,631,635, plus strand): 5'-GCAGGCTGTCGATCTCCCCGCGGATCTGCTGCTGGCTCTGGGCGCTGCCCTGCCGCAGCT[G>T]CCCGCTCTTCTCGGACAGCTCCTTCTCCAGGTGCTCCAGCCGGCTGGACACTCGCACGAT-3'
Protein context (NP_940927.2, residues 981-1001): LEKELSEKSG[Gln991Lys]LRQGSAQSQQ

ClinVar aggregate classification (germline): Uncertain significance (1 of 4 stars; one submission).

Conditions:
Acrocallosal syndrome (ACLS). Also called: Schinzel syndrome 1; Absence of corpus callosum with unusual facial appearance, mental deficiency, duplication of the halluces and polydactyly; HALLUX DUPLICATION, POSTAXIAL POLYDACTYLY, AND ABSENCE OF CORPUS CALLOSUM. Identifiers: Orphanet 36, MedGen C0796147, MONDO:0008708, OMIM 200990.

Allele frequency attached by ClinVar (database versions not stated): TOPMed below 0.00001; gnomAD 0.00001.

Submission:

Labcorp Genetics (formerly Invitae), Labcorp
Classification: Uncertain significance for Acrocallosal syndrome. Last evaluated: 2022-07-05. Review status: criteria provided, single submitter. Criteria: Invitae Variant Classification Sherloc (09022015). Collection method: clinical testing. Allele origin: germline.
Comment: This variant is not present in population databases (gnomAD no frequency). This sequence change replaces glutamine, which is neutral and polar, with lysine, which is basic and polar, at codon 991 of the KIF7 protein (p.Gln991Lys). This variant has not been reported in the literature in individuals affected with KIF7-related conditions. ClinVar contains an entry for this variant (Variation ID: 1403108). Algorithms developed to predict the effect of missense changes on protein structure and function are either unavailable or do not agree on the potential impact of this missense change (SIFT: "Tolerated"; PolyPhen-2: "Probably Damaging"; Align-GVGD: "Class C0"). In summary, the available evidence is currently insufficient to determine the role of this variant in disease. Therefore, it has been classified as a Variant of Uncertain Significance.